The following is an entry in ClinVar:

ClinVar aggregate classification (germline): Benign/Likely benign. Review status: criteria provided, multiple submitters, no conflicts (2 of 4 stars). 11 submissions from 11 submitters: Benign (10); Likely benign (1). Last evaluated 2026-02-04.

Conditions:
Focal segmental glomerulosclerosis 5 (FSGS5). Identifiers: Orphanet 656, MedGen C2750475, MONDO:0013191, OMIM 613237.
Charcot-Marie-Tooth disease dominant intermediate E. Also called: CHARCOT-MARIE-TOOTH NEUROPATHY WITH FOCAL SEGMENTAL GLOMERULONEPHRITIS. Identifiers: Orphanet 93114, MedGen C4302667, MONDO:0013758, OMIM 614455.

Allele frequency attached by ClinVar (database versions not stated): 1000 Genomes Project 0.20966; 1000 Genomes Project 30x 0.21268.
gnomAD v4.1: 455,989 of 1,595,514 alleles (29%); highest among the groups gnomAD compares: African/African-American, 31%; 67,668 homozygotes.

Submissions (11):

Labcorp Genetics (formerly Invitae), Labcorp
Classification: Benign for Charcot-Marie-Tooth disease dominant intermediate E; Focal segmental glomerulosclerosis 5. Last evaluated: 2026-02-04. Review status: criteria provided, single submitter. Criteria: Invitae Variant Classification Sherloc (09022015). Collection method: clinical testing. Allele origin: germline.

Blueprint Genetics
Classification: Benign. Last evaluated: 2024-11-27. Review status: criteria provided, single submitter. Criteria: ACMG Guidelines, 2015. Collection method: clinical testing. Allele origin: germline.

Unidad de Genómica Garrahan, Hospital de Pediatría Garrahan
Classification: Benign. Last evaluated: 2024-07-15. Review status: criteria provided, single submitter. Criteria: ACMG Guidelines, 2015. Collection method: clinical testing. Allele origin: germline. Affected: no. Observed: 32 variant alleles.
Comment: This variant is classified as Benign based on local population frequency. This variant was detected in 34% of patients studied in a panel designed for Epileptic and Developmental Encephalopathy and Progressive Myoclonus Epilepsy. Number of patients: 32. Only high quality variants are reported.

Mayo Clinic Laboratories, Mayo Clinic
Classification: Benign. Last evaluated: 2022-10-27. Review status: criteria provided, single submitter. Criteria: ACMG Guidelines, 2015. Collection method: clinical testing. Allele origin: germline. Observed: 1,235 variant alleles.

Genome-Nilou Lab
Classification: Benign for Charcot-Marie-Tooth disease dominant intermediate E. Last evaluated: 2021-08-19. Review status: criteria provided, single submitter. Criteria: ACMG Guidelines, 2015. Collection method: clinical testing. Allele origin: germline. Affected: no.

Fulgent Genetics
Classification: Likely benign for Focal segmental glomerulosclerosis 5; Charcot-Marie-Tooth disease dominant intermediate E. Last evaluated: 2021-07-20. Review status: criteria provided, single submitter. Criteria: ACMG Guidelines, 2015. Collection method: clinical testing. Allele origin: unknown.

Athena Diagnostics
Classification: Benign. Last evaluated: 2021-04-20. Review status: criteria provided, single submitter. Criteria: Athena Diagnostics criteria. Collection method: clinical testing. Allele origin: unknown.

Illumina Laboratory Services, Illumina
Classification: Benign for Focal segmental glomerulosclerosis 5. Last evaluated: 2018-01-13. Review status: criteria provided, single submitter. Criteria: ICSL Variant Classification Criteria 13 December 2019. Collection method: clinical testing. Allele origin: germline.
Comment: This variant was observed in the ICSL laboratory as part of a predisposition screen in an ostensibly healthy population. It had not been previously curated by ICSL or reported in the Human Gene Mutation Database (HGMD: prior to June 1st, 2018), and was therefore a candidate for classification through an automated scoring system. Utilizing variant allele frequency, disease prevalence and penetrance estimates, and inheritance mode, an automated score was calculated to assess if this variant is too frequent to cause the disease. Based on the score and internal cut-off values, a variant classified as benign is not then subjected to further curation. The score for this variant resulted in a classification of benign for this disease.

GeneDx
Classification: Benign. Last evaluated: 2015-12-22. Review status: criteria provided, single submitter. Criteria: GeneDx Variant Classification (06012015). Collection method: clinical testing. Allele origin: germline. Affected: yes.
Comment: This variant is considered likely benign or benign based on one or more of the following criteria: it is a conservative change, it occurs at a poorly conserved position in the protein, it is predicted to be benign by multiple in silico algorithms, and/or has population frequency not consistent with disease.

Breakthrough Genomics
Classification: Benign. Review status: criteria provided, single submitter. Criteria: ACMG Guidelines, 2015. Collection method: not provided. Allele origin: germline. Inheritance: Autosomal dominant inheritance. Affected: yes.

PreventionGenetics, part of Exact Sciences
Classification: Benign. Review status: criteria provided, single submitter. Criteria: ACMG Guidelines, 2015. Collection method: clinical testing. Allele origin: germline.

NM_022489.4(INF2):c.3207A>G (p.Pro1069=)

Gene: INF2 (inverted formin 2; plus strand). Cytogenetic location: 14q32.33.
Variant type: single nucleotide variant.
Coding change: c.3207A>G on transcript NM_022489.4 (MANE Select); coding-DNA position 3207, A replaced by G.
Protein change: p.Pro1069=; no amino-acid change (proline 1069 retained).
Molecular consequence: synonymous variant.
Genome position (GRCh38, 1-based): chr14:104,714,369, A>G. VCF-style: chr14-104714369-A-G. GRCh37 (hg19) VCF-style: chr14-105180706-A-G.
Other names: p.Pro1069=; c.3207A>G, p.Pro1069= (NM_001031714.4).
Identifiers: ClinVar variation 261618 (VCV000261618.25), dbSNP rs1128840, ClinGen allele CA7373201.